The following is an entry in ClinVar:

NM_001164508.2(NEB):c.855_856insGCCCGTCTCCCTCTCCCTCTCCCGTCTCCCTCTCCCGTCTCCCTCTCCCTCTCCCGTCTCCNNNNNNNNNNAAAAAAAAAAAAAAAAAAAAGAAAATAAAATC (p.Lys286delinsAlaArgLeuProLeuProLeuProSerProSerProValSerLeuSerLeuSerArgLeuXaaXaaXaaXaaLysLysLysLysLysLysArgLysTer)

Gene: NEB (nebulin; minus strand). Cytogenetic location: 2q23.3.
Variant type: Insertion.
Coding change: c.855_856insGCCCGTCTCCCTCTCCCTCTCCCGTCTCCCTCTCCCGTCTCCCTCTCCCTCTCCCGTCTCCNNNNNNNNNNAAAAAAAAAAAAAAAAAAAAGAAAATAAAATC on transcript NM_001164508.2 (MANE Select); coding-DNA positions 855 to 856, GCCCGTCTCCCTCTCCCTCTCCCGTCTCCCTCTCCCGTCTCCCTCTCCCTCTCCCGTCTCCNNNNNNNNNNAAAAAAAAAAAAAAAAAAAAGAAAATAAAATC inserted.
Protein change: p.Lys286delinsAlaArgLeuProLeuProLeuProSerProSerProValSerLeuSerLeuSerArgLeuXaaXaaXaaXaaLysLysLysLysLysLysArgLysTer.
Molecular consequence: nonsense.
Genome position: GRCh38: chr2:151,710,517-151,710,518. GRCh37 (hg19): chr2:152,567,031-152,567,032.
Other names: c.855_856insGCCCGTCTCCCTCTCCCTCTCCCGTCTCCCTCTCCCGTCTCCCTCTCCCTCTCCCGTCTCCNNNNNNNNNNAAAAAAAAAAAAAAAAAAAAGAAAATAAAATC, p.Lys286delinsAlaArgLeuProLeuProLeuProSerProSerProValSerLeuSerLeuSerArgLeuXaaXaaXaaXaaLysLysLysLysLysLysArgLysTer (NM_001164507.2, NM_001271208.2, NM_004543.5).
Identifiers: ClinVar variation 2108166 (VCV002108166.4), dbSNP rs2552275067.

ClinVar aggregate classification (germline): Pathogenic (1 of 4 stars; one submission).

Conditions:
Nemaline myopathy 2 (NEM2). Also called: Nemaline myopathy 2, autosomal recessive. Identifiers: MedGen C1850569, MONDO:0009725, OMIM 256030.

Submission:

Labcorp Genetics (formerly Invitae), Labcorp
Classification: Pathogenic for Nemaline myopathy 2. Last evaluated: 2022-03-10. Review status: criteria provided, single submitter. Criteria: Invitae Variant Classification Sherloc (09022015). Collection method: clinical testing. Allele origin: germline.
Comment: This variant has not been reported in the literature in individuals affected with NEB-related conditions. For these reasons, this variant has been classified as Pathogenic. Retrotransposon insertions including LINE1 (L1), Alu, and SVA (SINE-VNTR-Alu) have been reported to be disease-causing through disruption of either a coding region or splice site (PMID: 19763152, 20307669, 22406018) and loss-of-function variants in NEB are known to be pathogenic (PMID: 25205138). Algorithms developed to predict the effect of sequence changes on RNA splicing suggest that this variant may disrupt the consensus splice site. This variant is not present in population databases (gnomAD no frequency). This sequence change inserts a large fragment of DNA, likely a transposable element, in exon 11 of the NEB gene (c.855_856ins?), causing a frameshift at codon 286 (p.Lys286fs). The exact size and sequence of the insertion cannot be determined by the current assay. However, the insertion is expected to result in an absent or disrupted protein product.

Literature cited by the submitters: PubMed 19763152; PubMed 20307669; PubMed 22406018; PubMed 25205138.